The following is an entry in ClinVar:

NM_198576.4(AGRN):c.4386C>T (p.His1462=)

Gene: AGRN (agrin; plus strand). Cytogenetic location: 1p36.33.
Variant type: single nucleotide variant.
Coding change: c.4386C>T on transcript NM_198576.4 (MANE Select); coding-DNA position 4386, C replaced by T.
Protein change: p.His1462=; no amino-acid change (histidine 1462 retained).
Molecular consequence: synonymous variant.
Genome position (GRCh38, 1-based): chr1:1,049,323, C>T. VCF-style: chr1-1049323-C-T. GRCh37 (hg19) VCF-style: chr1-984703-C-T.
Other names: c.4386C>T, p.His1462= (NM_001305275.2); c.4071C>T, p.His1357= (NM_001364727.2).
Identifiers: ClinVar variation 1101688 (VCV001101688.13), dbSNP rs1158934281, ClinGen allele CA415758652.

ClinVar aggregate classification (germline): Likely benign. Review status: criteria provided, multiple submitters, no conflicts (2 of 4 stars). 2 submissions from 2 submitters: Likely benign (2). Last evaluated 2026-03-01.

Conditions:
Congenital myasthenic syndrome 8. Also called: Myasthenic syndrome, congenital, 8, with pre- and postsynaptic defects; MYASTHENIC SYNDROME, CONGENITAL, DUE TO AGRIN DEFICIENCY. Identifiers: Orphanet 590, MedGen C3808739, MONDO:0014052, OMIM 615120.

Allele frequency attached by ClinVar (database versions not stated): gnomAD 0.00001; TOPMed 0.00001; gnomAD exomes 0.00002.
gnomAD v4.1: 16 of 1,597,316 alleles (0.001%); highest among the groups gnomAD compares: East Asian, 0.0022%; no homozygotes.

Submissions (2):

CeGaT Center for Human Genetics Tuebingen
Classification: Likely benign. Last evaluated: 2026-03-01. Review status: criteria provided, single submitter. Criteria: CeGaT Center For Human Genetics Tuebingen Variant Classification Criteria Version 2. Collection method: clinical testing. Allele origin: germline. Affected: yes. Observed: 1 variant allele.
Comment: AGRN: BP4, BP7

Labcorp Genetics (formerly Invitae), Labcorp
Classification: Likely benign for Congenital myasthenic syndrome 8. Last evaluated: 2025-12-10. Review status: criteria provided, single submitter. Criteria: Invitae Variant Classification Sherloc (09022015). Collection method: clinical testing. Allele origin: germline.